The following is an entry in ClinVar:

NM_004369.4(COL6A3):c.1979A>C (p.Asp660Ala)

Gene: COL6A3 (collagen type VI alpha 3 chain; minus strand). Cytogenetic location: 2q37.3.
Variant type: single nucleotide variant.
Coding change: c.1979A>C on transcript NM_004369.4 (MANE Select); coding-DNA position 1979, A replaced by C.
Protein change: p.Asp660Ala; replaces aspartic acid 660 with alanine.
Molecular consequence: missense variant. On other transcripts: intron variant (1).
Genome position (GRCh38, 1-based): chr2:237,379,154, T>G on the plus strand (A>C on the coding strand, the complement: COL6A3 is on the minus strand). VCF-style: chr2-237379154-T-G. GRCh37 (hg19) VCF-style: chr2-238287797-T-G.
Other names: c.758A>C, p.Asp253Ala (NM_057164.5); c.1361A>C, p.Asp454Ala (NM_057165.5, NM_057167.4); c.676+1761A>C (NM_057166.5); short protein forms D660A, D253A, D454A.
Identifiers: ClinVar variation 424551 (VCV000424551.2), dbSNP rs1064797036, ClinGen allele CA16617504.

ClinVar aggregate classification (germline): Uncertain significance (1 of 4 stars; one submission).

gnomAD v4.1: 2 of 1,614,222 alleles (0.00012%); highest among the groups gnomAD compares: African/African-American, 0.0027%; no homozygotes.

Submission:

GeneDx
Classification: Uncertain significance. Last evaluated: 2017-03-23. Review status: criteria provided, single submitter. Criteria: GeneDx Variant Classification (06012015). Collection method: clinical testing. Allele origin: germline. Affected: yes.
Comment: The D660A variant in the COL6A3 gene has not been reported previously as a pathogenic variant, nor as a benign variant, to our knowledge. The D660A variant is not observed in large population cohorts (Lek et al., 2016; 1000 Genomes Consortium et al., 2015; Exome Variant Server). The D660A variant is a non-conservative amino acid substitution, which occurs at a position that is conserved across species. In silico analysis predicts this variant is probably damaging to the protein structure/function. We interpret D660A as a variant of uncertain significance.